The following is an entry in ClinVar:

ClinVar aggregate classification (germline): Uncertain significance (1 of 4 stars; one submission).

Submission:

Ambry Genetics
Classification: Uncertain significance. Last evaluated: 2022-12-05. Review status: criteria provided, single submitter. Criteria: Ambry Variant Classification Scheme 2023. Collection method: clinical testing. Allele origin: germline.
Comment: The p.T238N variant (also known as c.713C>A), located in coding exon 6 of the KIF1B gene, results from a C to A substitution at nucleotide position 713. The threonine at codon 238 is replaced by asparagine, an amino acid with similar properties. This amino acid position is conserved. In addition, the in silico prediction for this alteration is inconclusive. Since supporting evidence is limited at this time, the clinical significance of this alteration remains unclear.

NM_001365951.3(KIF1B):c.713C>A (p.Thr238Asn)

Gene: KIF1B (kinesin family member 1B; plus strand). Cytogenetic location: 1p36.22.
Variant type: single nucleotide variant.
Coding change: c.713C>A on transcript NM_001365951.3 (MANE Select); coding-DNA position 713, C replaced by A.
Protein change: p.Thr238Asn; replaces threonine 238 with asparagine.
Molecular consequence: missense variant.
Genome position (GRCh38, 1-based): chr1:10,268,256, C>A. VCF-style: chr1-10268256-C-A. GRCh37 (hg19) VCF-style: chr1-10328314-C-A.
Other names: c.713C>A, p.Thr238Asn (NM_001365952.1, NM_001365953.1, NM_015074.3 and 1 more transcripts); short protein forms T238N.
Identifiers: ClinVar variation 2448724 (VCV002448724.2), dbSNP rs2521053925, ClinGen allele CA338330677.
Genomic context (GRCh38, chr1:10,268,256, plus strand): 5'-ACGCTGTGTTTACGATTGTTTTCACCCAGAAGAAACACGATAATGAGACCAACCTTTCCA[C>A]TGAGAAGGTAGGAGAGTTTCAGTCTCTAGGCTTGAGTTGTGAAGGATGGAGATTTTGAGA-3'
Protein context (NP_001352880.1, residues 228-248): KKHDNETNLS[Thr238Asn]EKVSKISLVD